The following is an entry in ClinVar:

NM_001453.3(FOXC1):c.54C>A (p.Tyr18Ter)

Gene: FOXC1 (forkhead box C1; plus strand). Cytogenetic location: 6p25.3.
Variant type: single nucleotide variant.
Coding change: c.54C>A on transcript NM_001453.3 (MANE Select); coding-DNA position 54, C replaced by A.
Protein change: p.Tyr18Ter; replaces tyrosine 18 with a stop codon.
Molecular consequence: nonsense.
Genome position (GRCh38, 1-based): chr6:1,610,499, C>A. VCF-style: chr6-1610499-C-A. GRCh37 (hg19) VCF-style: chr6-1610734-C-A.
Other names: short protein forms Y18*.
Identifiers: ClinVar variation 4888097 (VCV004888097.1).
Genomic context (GRCh38, chr6:1,610,499, plus strand): 5'-GGGGGCCATGCAGGCGCGCTACTCCGTGTCCAGCCCCAACTCCCTGGGAGTGGTGCCCTA[C>A]CTCGGCGGCGAGCAGAGCTACTACCGCGCGGCGGCCGCGGCGGCCGGGGGCGGCTACACC-3'

ClinVar aggregate classification (germline): Likely pathogenic (1 of 4 stars; one submission).

Submission:

GeneDx
Classification: Likely pathogenic. Last evaluated: 2026-02-20. Review status: criteria provided, single submitter. Criteria: GeneDx Variant Classification Process June 2021. Collection method: clinical testing. Allele origin: germline.
Comment: Nonsense variant predicted to result in protein truncation, as the last 536 amino acid(s) are lost, and other loss-of-function variants have been reported downstream in HGMD; Not observed at significant frequency in large population cohorts (gnomAD); Has not been previously published as pathogenic or benign to our knowledge.